The following is an entry in ClinVar:

NM_000059.4(BRCA2):c.5207A>C (p.Gln1736Pro)

Gene: BRCA2 (BRCA2 DNA repair associated; plus strand). Cytogenetic location: 13q13.1.
Variant type: single nucleotide variant.
Coding change: c.5207A>C on transcript NM_000059.4 (MANE Select); coding-DNA position 5207, A replaced by C.
Protein change: p.Gln1736Pro; replaces glutamine 1736 with proline.
Molecular consequence: missense variant. On other transcripts: non-coding transcript variant (1), intron variant (2).
Genome position (GRCh38, 1-based): chr13:32,339,562, A>C. VCF-style: chr13-32339562-A-C. GRCh37 (hg19) VCF-style: chr13-32913699-A-C.
Other names: c.5207A>C, p.Gln1736Pro (NM_001406719.1, NM_001406720.1); c.1910-4996A>C (NM_001406721.1); c.425-4996A>C (NM_001406722.1); short protein forms Q1736P.
Identifiers: ClinVar variation 2780538 (VCV002780538.3), dbSNP rs1183489363, ClinGen allele CA387784608.

ClinVar aggregate classification (germline): Uncertain significance (1 of 4 stars; one submission).

Conditions:
Hereditary breast ovarian cancer syndrome. Also called: Hereditary breast and ovarian cancer syndrome (HBOC); Hereditary breast and/or ovarian cancer syndrome; Hereditary breast and ovarian cancer; Hereditary breast and ovarian cancer syndrome; BRCA1- and BRCA2-Associated Hereditary Breast and Ovarian Cancer; Breast and ovarian cancer. Identifiers: Orphanet 145, MedGen C0677776, MeSH D061325, MONDO:0003582. Disease mechanism: loss of function.

Submission:

Labcorp Genetics (formerly Invitae), Labcorp
Classification: Uncertain significance for Hereditary breast ovarian cancer syndrome. Last evaluated: 2024-01-04. Review status: criteria provided, single submitter. Criteria: Invitae Variant Classification Sherloc (09022015). Collection method: clinical testing. Allele origin: germline.
Comment: This sequence change replaces glutamine, which is neutral and polar, with proline, which is neutral and non-polar, at codon 1736 of the BRCA2 protein (p.Gln1736Pro). This variant is not present in population databases (gnomAD no frequency). This variant has not been reported in the literature in individuals affected with BRCA2-related conditions. Advanced modeling of protein sequence and biophysical properties (such as structural, functional, and spatial information, amino acid conservation, physicochemical variation, residue mobility, and thermodynamic stability) performed at Invitae indicates that this missense variant is not expected to disrupt BRCA2 protein function with a negative predictive value of 95%. In summary, the available evidence is currently insufficient to determine the role of this variant in disease. Therefore, it has been classified as a Variant of Uncertain Significance.